The following is an entry in ClinVar:

NM_001009944.3(PKD1):c.12640C>T (p.Arg4214Cys)

Gene: PKD1 (polycystin 1, transient receptor potential channel interacting; minus strand). Cytogenetic location: 16p13.3.
Variant type: single nucleotide variant.
Coding change: c.12640C>T on transcript NM_001009944.3 (MANE Select); coding-DNA position 12640, C replaced by T.
Protein change: p.Arg4214Cys; replaces arginine 4214 with cysteine.
Molecular consequence: missense variant.
Genome position (GRCh38, 1-based): chr16:2,089,999, G>A on the plus strand (C>T on the coding strand, the complement: PKD1 is on the minus strand). VCF-style: chr16-2089999-G-A. GRCh37 (hg19) VCF-style: chr16-2140000-G-A.
Other names: c.12637C>T, p.Arg4213Cys (NM_000296.4); short protein forms R4214C, R4213C.
Identifiers: ClinVar variation 451534 (VCV000451534.10), dbSNP rs569380424, ClinGen allele CA7828518.

ClinVar aggregate classification (germline): Uncertain significance. Review status: criteria provided, multiple submitters, no conflicts (2 of 4 stars). 3 submissions from 3 submitters: Uncertain significance (3). Last evaluated 2025-08-12.

Conditions:
PKD1-related disorder. Also called: PKD1-related condition.

Allele frequency attached by ClinVar (database versions not stated): gnomAD 0.00002 and 0.00001; TOPMed 0.00002; ExAC 0.00004; 1000 Genomes Project 30x 0.00016; 1000 Genomes Project 0.00020; gnomAD exomes 0.00001.
gnomAD v4.1: 19 of 1,610,334 alleles (0.0012%); highest among the groups gnomAD compares: South Asian, 0.0055%; no homozygotes.

Submissions (3):

PreventionGenetics, part of Exact Sciences
Classification: Uncertain significance for PKD1-related condition. Last evaluated: 2025-08-12. Review status: criteria provided, single submitter. Criteria: ACMG Guidelines, 2015. Collection method: clinical testing. Allele origin: germline.
Comment: The PKD1 c.12640C>T variant is predicted to result in the amino acid substitution p.Arg4214Cys. To our knowledge, this variant has not been reported in association with PKD1-associated disorders. This variant is reported in 0.010% of alleles in individuals of South Asian descent in gnomAD. At this time, the clinical significance of this variant is uncertain due to the absence of conclusive functional and genetic evidence.

CeGaT Center for Human Genetics Tuebingen
Classification: Uncertain significance. Last evaluated: 2025-03-01. Review status: criteria provided, single submitter. Criteria: CeGaT Center For Human Genetics Tuebingen Variant Classification Criteria Version 2. Collection method: clinical testing. Allele origin: germline. Affected: yes. Observed: 1 variant allele.

GeneDx
Classification: Uncertain significance. Last evaluated: 2017-08-25. Review status: criteria provided, single submitter. Criteria: GeneDx Variant Classification (06012015). Collection method: clinical testing. Allele origin: germline. Affected: yes.
Comment: The R4214C variant in the PKD1 gene has not been reported previously as a pathogenic variant, nor as a benign variant, to our knowledge. The R4214C variant is observed in 1/4678 (0.02%) alleles from individuals of Finnish European background in the ExAC dataset (Lek et al., 2016). The R4214C variant is a non-conservative amino acid substitution, which is likely to impact secondary protein structure as these residues differ in polarity, charge, size and/or other properties. This substitution occurs at a position that is not conserved. In silico analysis predicts this variant is probably damaging to the protein structure/function. We interpret R4214C as a variant of uncertain significance.